The following is an entry in ClinVar:

ClinVar aggregate classification (germline): Pathogenic. Review status: reviewed by expert panel (3 of 4 stars). 38 submissions from 35 submitters: Pathogenic (1). 37 of the submissions do not count toward it. Last evaluated 2025-11-25.

Conditions:
Cone-rod dystrophy. Also called: Cone/cone-rod dystrophy; Cone-rod degeneration. Identifiers: Orphanet 1872, MedGen C4085590, MONDO:0015993, HP:0000548.
Stargardt disease (FFM). Also called: Stargardt's disease; Fundus flavimaculatus. Identifiers: Orphanet 827, MedGen C0271093, MONDO:0019353.
ABCA4-related disorder. Also called: ABCA4-related disorders; ABCA4-related condition. Identifiers: MedGen CN239167.
ABCA4-related retinopathy. Also called: ABCA4 retinoapthy; ABCA4-related retinoapthy. Identifiers: MedGen CN322612, MONDO:0800406.
Severe early-childhood-onset retinal dystrophy (STGD1). Also called: Stargardt macular dystrophy; Juvenile onset macular degeneration; Stargardt disease 1; STGD; MACULAR DYSTROPHY WITH FLECKS, TYPE 1. Identifiers: Orphanet 364055, Orphanet 827, MedGen C1855465, MeSH D000080362, MONDO:0009549, OMIM 248200.
Cone-rod dystrophy 3 (CORD3). Identifiers: Orphanet 1872, MedGen C1858806, MONDO:0011395, OMIM 604116.
Retinitis pigmentosa 19 (RP19). Also called: ABCA4-Related Retinitis Pigmentosa. Identifiers: Orphanet 791, MedGen C1866422, MONDO:0011137, OMIM 601718.
Age related macular degeneration 2. Also called: MACULOPATHY, AGE-RELATED; MACULAR DEGENERATION, SENILE; MACULOPATHY, AGE-RELATED, 2. Identifiers: MedGen C3495438, MONDO:0007932, OMIM 153800.
Optic atrophy. Identifiers: MedGen C0029124, MONDO:0003608, HP:0000648.
Retinal dystrophy. Also called: Inherited retinal dystrophy. Identifiers: Orphanet 71862, MedGen C0854723, MeSH D058499, MONDO:0019118, HP:0000556.
Retinal disorder. Also called: Retinal disorders; Retinopathy; Retinopathies; Retinal Diseases. Identifiers: MedGen C0035309, MONDO:0005283, HP:0000488.

Allele frequency attached by ClinVar (database versions not stated): ExAC 0.00035; gnomAD 0.00036 and 0.00032; TOPMed 0.00038; gnomAD exomes 0.00031; ESP Exome Variant Server 0.00100.
gnomAD v4.1: 672 of 1,614,076 alleles (0.042%); highest among the groups gnomAD compares: Non-Finnish European, 0.052%; no homozygotes.

Submissions 1 to 8 of 38:

ClinGen ABCA4 Variant Curation Expert Panel, Clingen
Classification: Pathogenic for ABCA4-related retinopathy. Last evaluated: 2025-11-25. Review status: reviewed by expert panel. Criteria: ClinGen ABCA4 ACMG Specifications V1.0.0. Collection method: curation. Allele origin: germline. Inheritance: Autosomal recessive inheritance.
Comment: The NM_000350.3:c.5714+5G>A variant in ABCA4 is an intronic variant. The computational predictor SpliceAI gives a score of 0.35 for acceptor loss and 0.31 for donor loss which is above the threshold of >0.2, evidence that predicts a damaging effect on ABCA4 function (PP3). The prevalence of the variant in affected individuals is significantly increased compared with the prevalence in controls. The OR is 55.7 and the CI is 41.29- 76.16, which is above the ABCA4 VCEP threshold of ≥5, where the CI does not contain 1 (PS4; PMID: 35120629). This variant has been detected in at least 7 individuals with ABCA4-related retinopathy. Of those individuals, 3 were compound heterozygous for the variant and a pathogenic or likely pathogenic variant all were confirmed in trans by genetic methods and 2 individuals were homozygous for the variant (4 points; PM3_VeryStrong; PMIDs:10413692, 34874912, 36471740). The variant has been reported to segregate with ABCA4-related retinopathy in the proband and ≥3 similarly affected relatives (PP1_Strong; PMID:10413692). In summary, this variant meets the criteria to be classified as pathogenic for ABCA4-related retinopathy based on the ACMG/AMP criteria applied, as specified by the ClinGen ABCA4 VCEP Specification Version 1.0.0: PM3_VeryStrong, PS4, PP1_Strong, PP3.

CeGaT Center for Human Genetics Tuebingen
Classification: Pathogenic. Last evaluated: 2026-10-01. Review status: criteria provided, single submitter. Criteria: CeGaT Center For Human Genetics Tuebingen Variant Classification Criteria Version 2. Collection method: clinical testing. Allele origin: germline. Affected: yes. Observed: 24 variant alleles. Not counted in ClinVar's aggregate classification.
Comment: ABCA4: PM3:Very Strong, PM2, PS3:Supporting

PreventionGenetics, part of Exact Sciences
Classification: Pathogenic for ABCA4-related condition. Last evaluated: 2026-08-17. Review status: criteria provided, single submitter. Criteria: ACMG Guidelines, 2015. Collection method: clinical testing. Allele origin: germline. Not counted in ClinVar's aggregate classification.
Comment: The ABCA4 c.5714+5G>A variant is predicted to interfere with splicing. This variant (also known as IVS40+5G>A) has been reported in individuals with inherited retinal disease (see for examples: Cremers et al. 1998. PubMed ID: 9466990; Klevering et al. 2004. PubMed ID: 15494742; Birtel et al. 2018. PubMed ID: 29555955; Table S1, Lin et al. 2024. PubMed ID: 38219857). This variant is predicted to disrupt normal splicing (SpliceAI, Jaganathan et al. 2019. PubMed ID: 30661751), and functional analysis by RT-PCR confirmed that this variant causes both normal and abnormal splicing products (Rivera et al. 2000. PubMed ID: 10958763). This variant is present in 0.055% of alleles in individuals of European (Non-Finnish) descent in gnomAD. Given the evidence, we interpret this variant as pathogenic.

Genetics Laboratory, Great Ormond Street Hospital NHS Foundation Trust, North Thames Genomic Laboratory Hub
Classification: Likely pathogenic for Retinal disorders. Last evaluated: 2026-06-14. Review status: criteria provided, single submitter. Criteria: ACGS Best Practice Guidelines for Variant Classification in Rare Disease 2024 v1.2. Collection method: clinical testing. Allele origin: germline. Affected: yes. Not counted in ClinVar's aggregate classification.
Comment: PVS1_moderate, PM3_strong

GeneDx
Classification: Pathogenic. Last evaluated: 2026-04-01. Review status: criteria provided, single submitter. Criteria: GeneDx Variant Classification Process June 2021. Collection method: clinical testing. Allele origin: germline. Affected: yes. Not counted in ClinVar's aggregate classification.
Comment: RNA studies demonstrate a damaging effect: resulting in out-of-frame exon 40 skipping (PMID: 36209838, 29162642, 28714225); A different splice variant at this residue (c.5714+5G>T) has been reported as likely pathogenic at GeneDx in association with Stargardt disease; This variant is associated with the following publications: (PMID: 37498587, 34906470, 11702214, 28365912, 32307445, 35076026, 37734845, 30903310, 30093795, 38892127, 31429209, 32531858, 33706644, 34758253, 31456290, 10413692, 24265693, 25066811, 22328824, 17982420, 9466990, 21911583, 11328725, 19074458, 28341476, 26872967, 28118664, 28838317, 28044389, 29555955, 30771335, 30670881, 29925512, 31589614, 32619608, 34327195, 33302505, 32783370, 32815999, 32467599, 31980526, 32581362, 35836572, 35119454, 28714225, 35260635, 36209838, 37217489, 36460718, 29162642, 35120629, 31964843, 34321860, 36669873, 38927562, 39676705, 37728905, 38465142, 38222458, 38219857, 38309476, 39162841, 37924945, 39043154, 31543898)

Labcorp Genetics (formerly Invitae), Labcorp
Classification: Pathogenic. Last evaluated: 2026-01-14. Review status: criteria provided, single submitter. Criteria: Invitae Variant Classification Sherloc (09022015). Collection method: clinical testing. Allele origin: germline. Not counted in ClinVar's aggregate classification.
Comment: This sequence change falls in intron 40 of the ABCA4 gene. It does not directly change the encoded amino acid sequence of the ABCA4 protein. It affects a nucleotide within the consensus splice site. This variant is present in population databases (rs61751407, gnomAD 0.05%). This variant has been observed in individuals with autosomal recessive Stargardt disease and cone-rod dystrophy (PMID: 9466990, 10413692, 19074458). It has also been observed to segregate with disease in related individuals. ClinVar contains an entry for this variant (Variation ID: 99403). Variants that disrupt the consensus splice site are a relatively common cause of aberrant splicing (PMID: 17576681, 9536098). Algorithms developed to predict the effect of sequence changes on RNA splicing suggest that this variant may disrupt the consensus splice site. For these reasons, this variant has been classified as Pathogenic.

3billion
Classification: Pathogenic for ABCA4-related disorder. Last evaluated: 2026-01-12. Review status: criteria provided, single submitter. Criteria: ACMG Guidelines, 2015. Collection method: clinical testing. Allele origin: germline. Affected: yes. Not counted in ClinVar's aggregate classification.
Comment: The variant is observed at an extremely low frequency in the gnomAD v4.1.0 dataset (total allele frequency: 0.042%). Predicted Consequence/Location: Intron variant In silico tools predict the variant to alter splicing and produce an abnormal transcript [SpliceAI: 0.35 (>=0.2, moderate evidence for spliceogenicity)]. The variant has been reported to be in trans with a pathogenic variant as either compound heterozygous or homozygous in at least 4 similarly affected unrelated individuals (PMID: 28559085). The variant has been reported multiple times as an established pathogenic variant (ClinVar ID: VCV000099403 /PMID: 9466990 /3billion dataset). Therefore, this variant is classified as Pathogenic according to the recommendation of ACMG/AMP guideline.

Blueprint Genetics
Classification: Pathogenic for ABCA4-related disorders. Last evaluated: 2024-11-20. Review status: criteria provided, single submitter. Criteria: ACMG Guidelines, 2015. Collection method: clinical testing. Allele origin: germline. Affected: yes. Observed: 5 variant alleles. Not counted in ClinVar's aggregate classification.

NM_000350.3(ABCA4):c.5714+5G>A

Gene: ABCA4 (ATP binding cassette subfamily A member 4; minus strand). Cytogenetic location: 1p22.1.
Variant type: single nucleotide variant.
Coding change: c.5714+5G>A on transcript NM_000350.3 (MANE Select); 5 bases into the intron after coding-DNA position 5714, G replaced by A.
Molecular consequence: intron variant.
Genome position (GRCh38, 1-based): chr1:94,010,795, C>T on the plus strand (G>A on the coding strand, the complement: ABCA4 is on the minus strand). VCF-style: chr1-94010795-C-T. GRCh37 (hg19) VCF-style: chr1-94476351-C-T.
Other names: IVS40DS, G-A, +5.
Identifiers: ClinVar variation 99403 (VCV000099403.97), dbSNP rs61751407, ClinGen allele CA227338.
Genomic context (GRCh38, chr1:94,010,795, plus strand): 5'-GGGTATAAGGTCCAGTTCTGGATGCCCTGAGCTGCCCACTGGCCCAGGGTGTGGCATGGA[C>T]GTACCATTGGGAGAGGAAGAAGTGGCGCTGGACCAGCAGGGTCAGGAGGAAGTACACCAC-3'